The following is an entry in ClinVar:

NM_001278716.2(FBXL4):c.1346T>C (p.Phe449Ser)

Gene: FBXL4 (F-box and leucine rich repeat protein 4; minus strand). Cytogenetic location: 6q16.1.
Variant type: single nucleotide variant.
Coding change: c.1346T>C on transcript NM_001278716.2 (MANE Select); coding-DNA position 1346, T replaced by C.
Protein change: p.Phe449Ser; replaces phenylalanine 449 with serine.
Molecular consequence: missense variant. On other transcripts: non-coding transcript variant (1).
Genome position (GRCh38, 1-based): chr6:98,880,596, A>G on the plus strand (T>C on the coding strand, the complement: FBXL4 is on the minus strand). VCF-style: chr6-98880596-A-G. GRCh37 (hg19) VCF-style: chr6-99328472-A-G.
Other names: c.1346T>C, p.Phe449Ser (NM_012160.5); short protein forms F449S.
Identifiers: ClinVar variation 1404744 (VCV001404744.6), dbSNP rs1317325730, ClinGen allele CA16021098.
Genomic context (GRCh38, chr6:98,880,596, plus strand): 5'-AATTCTCAAACACTTACCATGACACAACTGCCTAAACTGAGGTGCTGAAGCTCTGAACAG[A>G]AGTTCAAAATGCTGAGCAGTGCTGTTTGCTGCCATTAGGGACCACATCAGAGGCAAATAT-3'
Protein context (NP_001265645.1, residues 439-459): EQTALLSILN[Phe449Ser]CSELQHLSLG

ClinVar aggregate classification (germline): Uncertain significance (1 of 4 stars; one submission).

Allele frequency attached by ClinVar (database versions not stated): gnomAD exomes below 0.00001; TOPMed below 0.00001; gnomAD 0.00001.
gnomAD v4.1: 2 of 1,613,878 alleles (0.00012%); highest among the groups gnomAD compares: Non-Finnish European, 0.00017%; no homozygotes.

Submission:

Labcorp Genetics (formerly Invitae), Labcorp
Classification: Uncertain significance. Last evaluated: 2021-12-15. Review status: criteria provided, single submitter. Criteria: Invitae Variant Classification Sherloc (09022015). Collection method: clinical testing. Allele origin: germline.
Comment: This variant has not been reported in the literature in individuals affected with FBXL4-related conditions. This sequence change replaces phenylalanine, which is neutral and non-polar, with serine, which is neutral and polar, at codon 449 of the FBXL4 protein (p.Phe449Ser). This variant is not present in population databases (gnomAD no frequency). Algorithms developed to predict the effect of missense changes on protein structure and function (SIFT, PolyPhen-2, Align-GVGD) all suggest that this variant is likely to be tolerated. In summary, the available evidence is currently insufficient to determine the role of this variant in disease. Therefore, it has been classified as a Variant of Uncertain Significance.